The following is an entry in ClinVar:

NM_053025.4(MYLK):c.5703G>A (p.Thr1901=)

Genes: MYLK-AS1 (MYLK antisense RNA 1; plus strand), MYLK (myosin light chain kinase; minus strand). Cytogenetic location: 3q21.1.
Variant type: single nucleotide variant.
Coding change: c.5703G>A on transcript NM_053025.4 (MANE Select); coding-DNA position 5703, G replaced by A.
Protein change: p.Thr1901=; no amino-acid change (threonine 1901 retained).
Molecular consequence: synonymous variant.
Genome position (GRCh38, 1-based): chr3:123,614,147, C>T on the plus strand (G>A on the coding strand, the complement: MYLK is on the minus strand). VCF-style: chr3-123614147-C-T. GRCh37 (hg19) VCF-style: chr3-123332994-C-T.
Other names: c.5175G>A, p.Thr1725= (NM_001321309.2); c.5496G>A, p.Thr1832= (NM_053026.4); c.5550G>A, p.Thr1850= (NM_053027.4); c.5343G>A, p.Thr1781= (NM_053028.4); c.420G>A, p.Thr140= (NM_053031.4); c.423G>A, p.Thr141= (NM_053032.4).
Identifiers: ClinVar variation 342865 (VCV000342865.14), dbSNP rs540804249, ClinGen allele CA073207.

ClinVar aggregate classification (germline): Conflicting classifications of pathogenicity. Review status: criteria provided, conflicting classifications (1 of 4 stars). 4 submissions from 4 submitters: Uncertain significance (1); Likely benign (3). Last evaluated 2025-09-15.

Conditions:
Familial thoracic aortic aneurysm and aortic dissection (TAAD). Also called: Thoracic aortic aneurysms and dissections. Identifiers: Orphanet 91387, MedGen C4707243, MONDO:0019625.
Aortic aneurysm, familial thoracic 7 (AAT7). Also called: AORTIC DISSECTION, FAMILIAL, WITH OR WITHOUT AORTIC ANEURYSM. Identifiers: MedGen C3151077, MONDO:0013418, OMIM 613780.

Allele frequency attached by ClinVar (database versions not stated): gnomAD exomes 0.00004 and 0.00012; ExAC 0.00008; gnomAD 0.00001 and 0.00002; TOPMed 0.00003; 1000 Genomes Project 30x 0.00016; 1000 Genomes Project 0.00020.
gnomAD v4.1: 55 of 1,613,768 alleles (0.0034%); highest among the groups gnomAD compares: East Asian, 0.08%; no homozygotes.

Submissions (4):

Labcorp Genetics (formerly Invitae), Labcorp
Classification: Likely benign for Aortic aneurysm, familial thoracic 7. Last evaluated: 2025-09-15. Review status: criteria provided, single submitter. Criteria: Invitae Variant Classification Sherloc (09022015). Collection method: clinical testing. Allele origin: germline.

Ambry Genetics
Classification: Likely benign for Familial thoracic aortic aneurysm and aortic dissection. Last evaluated: 2021-03-30. Review status: criteria provided, single submitter. Criteria: Ambry Variant Classification Scheme 2023. Collection method: clinical testing. Allele origin: germline.

GeneDx
Classification: Likely benign. Last evaluated: 2018-02-02. Review status: criteria provided, single submitter. Criteria: GeneDx Variant Classification (06012015). Collection method: clinical testing. Allele origin: germline. Affected: yes.
Comment: This variant is considered likely benign or benign based on one or more of the following criteria: it is a conservative change, it occurs at a poorly conserved position in the protein, it is predicted to be benign by multiple in silico algorithms, and/or has population frequency not consistent with disease.

Illumina Laboratory Services, Illumina
Classification: Uncertain significance for Aortic aneurysm, familial thoracic 7. Last evaluated: 2018-01-13. Review status: criteria provided, single submitter. Criteria: ICSL Variant Classification Criteria 13 December 2019. Collection method: clinical testing. Allele origin: germline.